The following is an entry in ClinVar:

ClinVar aggregate classification (germline): Pathogenic (1 of 4 stars; one submission).

Conditions:
Telangiectasia, hereditary hemorrhagic, type 2 (HHT2). Also called: ACVRL1-Related Hereditary Hemorrhagic Telangiectasia; Telangiectasia, hereditary hemorrhagic, type II. Identifiers: Orphanet 774, MedGen C1838163, MONDO:0010880, OMIM 600376. Disease mechanism: loss of function.

Submission:

Labcorp Genetics (formerly Invitae), Labcorp
Classification: Pathogenic for Telangiectasia, hereditary hemorrhagic, type 2. Last evaluated: 2024-02-11. Review status: criteria provided, single submitter. Criteria: Invitae Variant Classification Sherloc (09022015). Collection method: clinical testing. Allele origin: germline.
Comment: This sequence change replaces glycine, which is neutral and non-polar, with arginine, which is basic and polar, at codon 309 of the ACVRL1 protein (p.Gly309Arg). This variant is not present in population databases (gnomAD no frequency). This missense change has been observed in individual(s) with ACVRL1-related conditions (Invitae). ClinVar contains an entry for this variant (Variation ID: 654628). Advanced modeling of protein sequence and biophysical properties (such as structural, functional, and spatial information, amino acid conservation, physicochemical variation, residue mobility, and thermodynamic stability) performed at Invitae indicates that this missense variant is expected to disrupt ACVRL1 protein function with a positive predictive value of 95%. This variant disrupts the p.Gly309 amino acid residue in ACVRL1. Other variant(s) that disrupt this residue have been determined to be pathogenic (PMID: 15517393, 16705692, 22991266, 26245826). This suggests that this residue is clinically significant, and that variants that disrupt this residue are likely to be disease-causing. For these reasons, this variant has been classified as Pathogenic.

Literature cited by the submitters: PubMed 15517393; PubMed 16705692; PubMed 22991266; PubMed 26245826.

NM_000020.3(ACVRL1):c.925G>C (p.Gly309Arg)

Gene: ACVRL1 (activin A receptor like type 1; plus strand). Cytogenetic location: 12q13.13.
Variant type: single nucleotide variant.
Coding change: c.925G>C on transcript NM_000020.3 (MANE Select); coding-DNA position 925, G replaced by C.
Protein change: p.Gly309Arg; replaces glycine 309 with arginine.
Molecular consequence: missense variant.
Genome position (GRCh38, 1-based): chr12:51,915,377, G>C. VCF-style: chr12-51915377-G-C. GRCh37 (hg19) VCF-style: chr12-52309161-G-C.
Other names: c.925G>C, p.Gly309Arg (NM_001077401.2); short protein forms G309R.
Identifiers: ClinVar variation 654628 (VCV000654628.3), dbSNP rs1555153133, ClinGen allele CA384901048.